The following is an entry in ClinVar:

ClinVar aggregate classification (germline): Conflicting classifications of pathogenicity. Review status: criteria provided, conflicting classifications (1 of 4 stars). 4 submissions from 4 submitters: Likely pathogenic (3); Uncertain significance (1). Last evaluated 2024-10-11.

Conditions:
Myocardial infarction, susceptibility to. Identifiers: MedGen C1832662, MONDO:0012039, OMIM 608446.
Congenital factor VII deficiency. Identifiers: Orphanet 327, MedGen C0272320, MONDO:0009211, OMIM 227500.
F7-related disorders.

Allele frequency attached by ClinVar (database versions not stated): gnomAD exomes 0.00002; ExAC 0.00003; gnomAD 0.00004; TOPMed 0.00004.
gnomAD v4.1: 42 of 1,612,914 alleles (0.0026%); highest among the groups gnomAD compares: Middle Eastern, 0.016%; no homozygotes.

Submissions (4):

Blueprint Genetics
Classification: Likely pathogenic for F7-related disorders. Last evaluated: 2024-10-11. Review status: criteria provided, single submitter. Criteria: ACMG Guidelines, 2015. Collection method: clinical testing. Allele origin: germline. Affected: yes. Observed: 5 variant alleles.

Women's Health and Genetics/Laboratory Corporation of America, LabCorp
Classification: Uncertain significance. Last evaluated: 2024-08-08. Review status: criteria provided, single submitter. Criteria: LabCorp Variant Classification Summary - May 2015. Collection method: clinical testing. Allele origin: germline.
Comment: Variant summary: F7 c.469G>A (p.Gly157Ser) results in a non-conservative amino acid change located in the EGF-like domain (IPR000742) of the encoded protein sequence. Four of five in-silico tools predict a damaging effect of the variant on protein function. The variant allele was found at a frequency of 2e-05 in 249296 control chromosomes (gnomAD v2). c.469G>A has been reported in the literature in multiple individuals affected with Congenital factor VII deficiency without reported genotypes (e.g. Guarnaccia_2009, Halimeh_2024, Priesler_2024), but with evidence of increased frequency in affected individuals (e.g. Priesler_2024) compared to controls (gnomAD) or in a compound heterozygote with a benign second variant (e.g. Alesci_2023). These data indicate that the variant may be associated with disease. To our knowledge, no experimental evidence demonstrating an impact on protein function has been reported. The following publications have been ascertained in the context of this evaluation (PMID: 37521340, 19780835, 38202056, 22353194, 35552711, 38397060). ClinVar contains an entry for this variant (Variation ID: 1527890). Based on the evidence outlined above, the variant was classified as VUS-possibly pathogenic.

Fulgent Genetics
Classification: Likely pathogenic for Congenital factor VII deficiency; Myocardial infarction, susceptibility to. Last evaluated: 2024-06-12. Review status: criteria provided, single submitter. Criteria: ACMG Guidelines, 2015. Collection method: clinical testing. Allele origin: germline.

MVZ Martinsried, Medicover Genetics
Classification: Likely pathogenic for Congenital factor VII deficiency. Last evaluated: 2022-01-14. Review status: criteria provided, single submitter. Criteria: ACGS Guidelines, 2020. Collection method: clinical testing. Allele origin: unknown. Affected: yes.

Literature cited by the submitters: PubMed 19780835 (cited by Women's Health and Genetics/Laboratory Corporation of America, LabCorp); PubMed 22353194 (cited by Women's Health and Genetics/Laboratory Corporation of America, LabCorp); PubMed 35552711 (cited by Women's Health and Genetics/Laboratory Corporation of America, LabCorp); PubMed 38202056 (cited by Women's Health and Genetics/Laboratory Corporation of America, LabCorp); PubMed 38397060 (cited by Women's Health and Genetics/Laboratory Corporation of America, LabCorp); PubMed 37521340 (cited by Women's Health and Genetics/Laboratory Corporation of America, LabCorp).

NM_019616.4(F7):c.403G>A (p.Gly135Ser)

Gene: F7 (coagulation factor VII; plus strand). Cytogenetic location: 13q34.
Variant type: single nucleotide variant.
Coding change: c.403G>A on transcript NM_019616.4 (MANE Select); coding-DNA position 403, G replaced by A.
Protein change: p.Gly135Ser; replaces glycine 135 with serine.
Molecular consequence: missense variant. On other transcripts: non-coding transcript variant (1).
Genome position (GRCh38, 1-based): chr13:113,115,698, G>A. VCF-style: chr13-113115698-G-A. GRCh37 (hg19) VCF-style: chr13-113770012-G-A.
Other names: c.469G>A, p.Gly157Ser (NM_000131.5); c.217G>A, p.Gly73Ser (NM_001267554.2); short protein forms G135S, G157S, G73S.
Identifiers: ClinVar variation 1527890 (VCV001527890.4), dbSNP rs763458490, ClinGen allele CA7059959.